The following is an entry in ClinVar:

NM_000352.6(ABCC8):c.3516C>T (p.Ile1172=)

Gene: ABCC8 (ATP binding cassette subfamily C member 8; minus strand). Cytogenetic location: 11p15.1.
Variant type: single nucleotide variant.
Coding change: c.3516C>T on transcript NM_000352.6 (MANE Select); coding-DNA position 3516, C replaced by T.
Protein change: p.Ile1172=; no amino-acid change (isoleucine 1172 retained).
Molecular consequence: synonymous variant. On other transcripts: non-coding transcript variant (1).
Genome position (GRCh38, 1-based): chr11:17,404,553, G>A on the plus strand (C>T on the coding strand, the complement: ABCC8 is on the minus strand). VCF-style: chr11-17404553-G-A. GRCh37 (hg19) VCF-style: chr11-17426100-G-A.
Other names: c.3519C>T, p.Ile1173= (NM_001287174.3); c.3582C>T, p.Ile1194= (NM_001351295.2); c.3516C>T, p.Ile1172= (NM_001351296.2); c.3513C>T, p.Ile1171= (NM_001351297.2).
Identifiers: ClinVar variation 706690 (VCV000706690.13), dbSNP rs142155036, ClinGen allele CA218417245.
Genomic context (GRCh38, chr11:17,404,553, plus strand): 5'-TCACCCCTGAGGCCATCACCTGGACGCCACCCGGAAGTACTTCTGGATGAAGTAGCACAC[G>A]ATGGCCAGGGGCAAGAGGGCCACGAGGAACACAGGTGTGACATAGGAGATGACGGCCAGG-3'
Protein context (NP_000343.2, residues 1162-1182): VFLVALLPLA[Ile1172=]VCYFIQKYFR

ClinVar aggregate classification (germline): Likely benign. Review status: criteria provided, multiple submitters, no conflicts (2 of 4 stars). 3 submissions from 3 submitters: Likely benign (2). 1 of the submissions does not count toward it. Last evaluated 2025-12-28.

Conditions:
ABCC8-related disorder.
Inborn genetic diseases. Identifiers: MedGen C0950123, MeSH D030342.

Allele frequency attached by ClinVar (database versions not stated): gnomAD 0.00005 and 0.00006; TOPMed 0.00006; ESP Exome Variant Server 0.00008.
gnomAD v4.1: 34 of 1,613,948 alleles (0.0021%); highest among the groups gnomAD compares: African/African-American, 0.015%; no homozygotes.

Submissions (3):

Labcorp Genetics (formerly Invitae), Labcorp
Classification: Likely benign. Last evaluated: 2025-12-28. Review status: criteria provided, single submitter. Criteria: Invitae Variant Classification Sherloc (09022015). Collection method: clinical testing. Allele origin: germline.

Ambry Genetics
Classification: Likely benign for Inborn genetic diseases. Last evaluated: 2019-07-05. Review status: criteria provided, single submitter. Criteria: Ambry Variant Classification Scheme 2023. Collection method: clinical testing. Allele origin: germline.

PreventionGenetics, part of Exact Sciences
Classification: Likely benign for ABCC8-related condition. Last evaluated: 2020-07-01. Review status: no assertion criteria provided. Collection method: clinical testing. Allele origin: germline. Not counted in ClinVar's aggregate classification.
Comment: This variant is classified as likely benign based on ACMG/AMP sequence variant interpretation guidelines (Richards et al. 2015 PMID: 25741868, with internal and published modifications).